The following is an entry in ClinVar:

ClinVar aggregate classification (germline): Likely benign. Review status: criteria provided, single submitter (1 of 4 stars). 2 submissions from 2 submitters: Likely benign (1). 1 of the submissions does not count toward it. Last evaluated 2025-12-31.

Conditions:
INVS-related disorder. Also called: INVS-related condition.
Nephronophthisis. Also called: Juvenile Nephronophthisis. Identifiers: Orphanet 655, MedGen C0687120, MONDO:0019005, HP:0000090.

Allele frequency attached by ClinVar (database versions not stated): ExAC 0.00002; gnomAD exomes 0.00002 and 0.00004; gnomAD 0.00006 and 0.00007; ESP Exome Variant Server 0.00008; TOPMed 0.00008; 1000 Genomes Project 30x 0.00016; 1000 Genomes Project 0.00020.
gnomAD v4.1: 48 of 1,613,948 alleles (0.003%); highest among the groups gnomAD compares: African/African-American, 0.021%; no homozygotes.

Submissions (2):

Labcorp Genetics (formerly Invitae), Labcorp
Classification: Likely benign for Nephronophthisis. Last evaluated: 2025-12-31. Review status: criteria provided, single submitter. Criteria: Invitae Variant Classification Sherloc (09022015). Collection method: clinical testing. Allele origin: germline.

PreventionGenetics, part of Exact Sciences
Classification: Likely benign for INVS-related condition. Last evaluated: 2019-08-06. Review status: no assertion criteria provided. Collection method: clinical testing. Allele origin: germline. Not counted in ClinVar's aggregate classification.
Comment: This variant is classified as likely benign based on ACMG/AMP sequence variant interpretation guidelines (Richards et al. 2015 PMID: 25741868, with internal and published modifications).

NM_014425.5(INVS):c.1038G>A (p.Ser346=)

Gene: INVS (inversin; plus strand). Cytogenetic location: 9q31.1.
Variant type: single nucleotide variant.
Coding change: c.1038G>A on transcript NM_014425.5 (MANE Select); coding-DNA position 1038, G replaced by A.
Protein change: p.Ser346=; no amino-acid change (serine 346 retained).
Molecular consequence: synonymous variant. On other transcripts: non-coding transcript variant (1).
Genome position (GRCh38, 1-based): chr9:100,246,747, G>A. VCF-style: chr9-100246747-G-A. GRCh37 (hg19) VCF-style: chr9-103009029-G-A.
Other names: c.750G>A, p.Ser250= (NM_001318381.2); c.60G>A, p.Ser20= (NM_001318382.2); c.1038G>A (NM_014425.4).
Identifiers: ClinVar variation 240908 (VCV000240908.12), dbSNP rs372355067, ClinGen allele CA5158308.